The following is an entry in ClinVar:

ClinVar aggregate classification (germline): Uncertain significance. Review status: criteria provided, multiple submitters, no conflicts (2 of 4 stars). 2 submissions from 2 submitters: Uncertain significance (2). Last evaluated 2025-08-07.

Conditions:
Inborn genetic diseases. Identifiers: MedGen C0950123, MeSH D030342.
Baller-Gerold syndrome (BGS). Also called: CRANIOSYNOSTOSIS WITH RADIAL DEFECTS. Identifiers: Orphanet 1225, MedGen C0265308, MONDO:0009039, OMIM 218600.

Allele frequency attached by ClinVar (database versions not stated): gnomAD exomes below 0.00001.
gnomAD v4.1: 4 of 1,602,408 alleles (0.00025%); highest among the groups gnomAD compares: Non-Finnish European, 0.00034%; no homozygotes.

Submissions (2):

Ambry Genetics
Classification: Uncertain significance for Inborn genetic diseases. Last evaluated: 2025-08-07. Review status: criteria provided, single submitter. Criteria: Ambry Variant Classification Scheme 2023. Collection method: clinical testing. Allele origin: germline.
Comment: The p.A718T variant (also known as c.2152G>A), located in coding exon 13 of the RECQL4 gene, results from a G to A substitution at nucleotide position 2152. The alanine at codon 718 is replaced by threonine, an amino acid with similar properties. This amino acid position is conserved. In addition, the in silico prediction for this alteration is inconclusive. Based on the available evidence, the clinical significance of this variant remains unclear.

Labcorp Genetics (formerly Invitae), Labcorp
Classification: Uncertain significance for Baller-Gerold syndrome. Last evaluated: 2020-03-12. Review status: criteria provided, single submitter. Criteria: Invitae Variant Classification Sherloc (09022015). Collection method: clinical testing. Allele origin: germline.
Comment: This sequence change replaces alanine with threonine at codon 718 of the RECQL4 protein (p.Ala718Thr). The alanine residue is highly conserved and there is a small physicochemical difference between alanine and threonine. This variant is not present in population databases (ExAC no frequency). This variant has not been reported in the literature in individuals with RECQL4-related conditions. Experimental studies and prediction algorithms are not available or were not evaluated, and the functional significance of this variant is currently unknown. In summary, the available evidence is currently insufficient to determine the role of this variant in disease. Therefore, it has been classified as a Variant of Uncertain Significance.

NM_004260.4(RECQL4):c.2152G>A (p.Ala718Thr)

Gene: RECQL4 (RecQ like helicase 4; minus strand). Cytogenetic location: 8q24.3.
Variant type: single nucleotide variant.
Coding change: c.2152G>A on transcript NM_004260.4 (MANE Select); coding-DNA position 2152, G replaced by A.
Protein change: p.Ala718Thr; replaces alanine 718 with threonine.
Molecular consequence: missense variant.
Genome position (GRCh38, 1-based): chr8:144,513,619, C>T on the plus strand (G>A on the coding strand, the complement: RECQL4 is on the minus strand). VCF-style: chr8-144513619-C-T. GRCh37 (hg19) VCF-style: chr8-145739003-C-T.
Other names: c.2152G>A (NM_004260.3); short protein forms A718T.
Identifiers: ClinVar variation 1059394 (VCV001059394.3), dbSNP rs1586804739, ClinGen allele CA372679734.
Genomic context (GRCh38, chr8:144,513,619, plus strand): 5'-TCCATGCCGCACCTCCAGACCCTGGGACCCAGGCTGCGTGCAGGCAGGTTCGGAGGAGCG[C>T]AGCGATCCGCTCTGTGTCCTCGCGCCGGTTGCAGTAAATGATAATGGAATCGAGGTTTTG-3'
Protein context (NP_004251.4, residues 708-728): NRREDTERIA[Ala718Thr]LLRTCLHAAW